The following is an entry in ClinVar:

NM_001009944.3(PKD1):c.7065+9C>T

Gene: PKD1 (polycystin 1, transient receptor potential channel interacting; minus strand). Cytogenetic location: 16p13.3.
Variant type: single nucleotide variant.
Coding change: c.7065+9C>T on transcript NM_001009944.3 (MANE Select); 9 bases into the intron after coding-DNA position 7065, C replaced by T.
Molecular consequence: intron variant.
Genome position (GRCh38, 1-based): chr16:2,107,874, G>A on the plus strand (C>T on the coding strand, the complement: PKD1 is on the minus strand). VCF-style: chr16-2107874-G-A. GRCh37 (hg19) VCF-style: chr16-2157875-G-A.
Other names: c.7065+9C>T (NM_000296.4).
Identifiers: ClinVar variation 873360 (VCV000873360.1), dbSNP rs765688834, ClinGen allele CA7831334.

ClinVar aggregate classification (germline): Pathogenic (1 of 4 stars; one submission).

Conditions:
Polycystic kidney disease, adult type (PKD1). Also called: POLYCYSTIC KIDNEY DISEASE 1 WITH OR WITHOUT POLYCYSTIC LIVER DISEASE; Polycystic Kidney Disease 1, Autosomal Dominant; Polycystic kidney disease 1; Polycystic kidney disease 1, severe; Polycystic Kidney, Autosomal Dominant; POLYCYSTIC KIDNEY DISEASE, ADULT, TYPE I. Identifiers: MedGen C3149841, MONDO:0008263, OMIM 173900.

Allele frequency attached by ClinVar (database versions not stated): gnomAD exomes 0.00002 and 0.00006; gnomAD 0.00003 and 0.00004; TOPMed 0.00005; ExAC 0.00007.
gnomAD v4.1: 36 of 1,542,750 alleles (0.0023%); highest among the groups gnomAD compares: Admixed American, 0.0039%; no homozygotes.

Submission:

Cavalleri Lab, Royal College of Surgeons in Ireland
Classification: Pathogenic for Polycystic kidney disease, adult type. Last evaluated: 2020-02-05. Review status: criteria provided, single submitter. Criteria: ACMG Guidelines, 2015. Collection method: research. Allele origin: unknown. Inheritance: Autosomal dominant inheritance. Affected: yes.
Comment: PVS1, PP3, PP4